The following is an entry in ClinVar:

ClinVar aggregate classification (germline): Uncertain significance (1 of 4 stars; one submission).

Conditions:
Hereditary cancer-predisposing syndrome. Also called: Hereditary neoplastic syndrome; Hereditary Cancer Syndrome; Neoplastic Syndromes, Hereditary; Tumor predisposition. Identifiers: Orphanet 140162, MedGen C0027672, MeSH D009386, MONDO:0015356.

Allele frequency attached by ClinVar (database versions not stated): gnomAD exomes below 0.00001.
gnomAD v4.1: 1 of 1,609,940 alleles (0.000062%); highest among the groups gnomAD compares: African/African-American, 0.0013%; no homozygotes.

Submission:

Ambry Genetics
Classification: Uncertain significance for Hereditary cancer-predisposing syndrome. Last evaluated: 2023-06-05. Review status: criteria provided, single submitter. Criteria: Ambry Variant Classification Scheme 2023. Collection method: clinical testing. Allele origin: germline.
Comment: The p.L643V variant (also known as c.1927C>G), located in coding exon 11 of the RET gene, results from a C to G substitution at nucleotide position 1927. The leucine at codon 643 is replaced by valine, an amino acid with highly similar properties. This amino acid position is conserved. In addition, the in silico prediction for this alteration is inconclusive. Since supporting evidence is limited at this time, the clinical significance of this alteration remains unclear.

NM_020975.6(RET):c.1927C>G (p.Leu643Val)

Gene: RET (ret proto-oncogene; plus strand). Cytogenetic location: 10q11.21.
Variant type: single nucleotide variant.
Coding change: c.1927C>G on transcript NM_020975.6 (MANE Select); coding-DNA position 1927, C replaced by G.
Protein change: p.Leu643Val; replaces leucine 643 with valine.
Molecular consequence: missense variant. On other transcripts: intron variant (4).
Genome position (GRCh38, 1-based): chr10:43,114,527, C>G. VCF-style: chr10-43114527-C-G. GRCh37 (hg19) VCF-style: chr10-43609975-C-G.
Other names: c.1927C>G, p.Leu643Val (NM_000323.2, NM_001406743.1, NM_001406744.1 and 4 more transcripts); c.1165C>G, p.Leu389Val (NM_001355216.2); c.1798C>G, p.Leu600Val (NM_001406761.1, NM_001406762.1, NM_001406764.1); c.1639C>G, p.Leu547Val (NM_001406766.1, NM_001406767.1, NM_001406770.1); c.1531C>G, p.Leu511Val (NM_001406769.1, NM_001406772.1); c.1489C>G, p.Leu497Val (NM_001406771.1, NM_001406773.1); c.1402C>G, p.Leu468Val (NM_001406774.1); c.1201C>G, p.Leu401Val (NM_001406775.1, NM_001406776.1, NM_001406777.1 and 1 more transcripts); and 10 more; short protein forms L208V, L248V, L304V, L389V, L497V, L547V, L313V, L643V.
Identifiers: ClinVar variation 2568381 (VCV002568381.2), dbSNP rs2132846162, ClinGen allele CA376552952.